The following is an entry in ClinVar:

ClinVar aggregate classification (germline): Uncertain significance (1 of 4 stars; one submission).

Conditions:
Hereditary sensory and autonomic neuropathy type 7. Also called: HSAN VII; Neuropathy, hereditary sensory and autonomic, type VII. Identifiers: Orphanet 391397, MedGen C3809882, MONDO:0014244, OMIM 615548.
Familial episodic pain syndrome with predominantly lower limb involvement. Also called: Episodic pain syndrome, familial, 3. Identifiers: Orphanet 391384, Orphanet 391392, MedGen C3809899, MONDO:0014247, OMIM 615552.

Submission:

Labcorp Genetics (formerly Invitae), Labcorp
Classification: Uncertain significance for Familial episodic pain syndrome with predominantly lower limb involvement; Hereditary sensory and autonomic neuropathy type 7. Last evaluated: 2024-03-07. Review status: criteria provided, single submitter. Criteria: Invitae Variant Classification Sherloc (09022015). Collection method: clinical testing. Allele origin: germline.
Comment: This sequence change replaces histidine, which is basic and polar, with aspartic acid, which is acidic and polar, at codon 1400 of the SCN11A protein (p.His1400Asp). This variant is not present in population databases (gnomAD no frequency). This variant has not been reported in the literature in individuals affected with SCN11A-related conditions. Advanced modeling of protein sequence and biophysical properties (such as structural, functional, and spatial information, amino acid conservation, physicochemical variation, residue mobility, and thermodynamic stability) performed at Invitae indicates that this missense variant is not expected to disrupt SCN11A protein function with a negative predictive value of 80%. In summary, the available evidence is currently insufficient to determine the role of this variant in disease. Therefore, it has been classified as a Variant of Uncertain Significance.

NM_001349253.2(SCN11A):c.4198C>G (p.His1400Asp)

Gene: SCN11A (sodium voltage-gated channel alpha subunit 11; minus strand). Cytogenetic location: 3p22.2.
Variant type: single nucleotide variant.
Coding change: c.4198C>G on transcript NM_001349253.2 (MANE Select); coding-DNA position 4198, C replaced by G.
Protein change: p.His1400Asp; replaces histidine 1400 with aspartic acid.
Molecular consequence: missense variant.
Genome position (GRCh38, 1-based): chr3:38,850,610, G>C on the plus strand (C>G on the coding strand, the complement: SCN11A is on the minus strand). VCF-style: chr3-38850610-G-C. GRCh37 (hg19) VCF-style: chr3-38892101-G-C.
Other names: c.4198C>G, p.His1400Asp (NM_014139.3); short protein forms H1400D.
Identifiers: ClinVar variation 3755090 (VCV003755090.2).
Genomic context (GRCh38, chr3:38,850,610, plus strand): 5'-AAGCAAAGATTTTGATGAGACATTCTAACGTAAAGATGACCACAAAGACCCAGTTGAGAT[G>C]GTCAAGGATGGATTTCATGGCTTTGGGTTGGTTGTATGATTCAGCCATCATGCTAATCAT-3'
Protein context (NP_001336182.1, residues 1390-1410): QPKAMKSILD[His1400Asp]LNWVFVVIFT